The following is an entry in ClinVar:

ClinVar aggregate classification (germline): Uncertain significance (1 of 4 stars; one submission).

Submission:

Labcorp Genetics (formerly Invitae), Labcorp
Classification: Uncertain significance. Last evaluated: 2022-10-04. Review status: criteria provided, single submitter. Criteria: Invitae Variant Classification Sherloc (09022015). Collection method: clinical testing. Allele origin: germline.
Comment: In summary, the available evidence is currently insufficient to determine the role of this variant in disease. Therefore, it has been classified as a Variant of Uncertain Significance. Advanced modeling of protein sequence and biophysical properties (such as structural, functional, and spatial information, amino acid conservation, physicochemical variation, residue mobility, and thermodynamic stability) performed at Invitae indicates that this missense variant is not expected to disrupt CDH23 protein function. ClinVar contains an entry for this variant (Variation ID: 1501974). This missense change has been observed in individual(s) with CDH23-related conditions (Invitae). This variant is not present in population databases (gnomAD no frequency). This sequence change replaces serine, which is neutral and polar, with proline, which is neutral and non-polar, at codon 2170 of the CDH23 protein (p.Ser2170Pro).

NM_022124.6(CDH23):c.6508T>C (p.Ser2170Pro)

Gene: CDH23 (cadherin related 23; plus strand). Cytogenetic location: 10q22.1.
Variant type: single nucleotide variant.
Coding change: c.6508T>C on transcript NM_022124.6 (MANE Select); coding-DNA position 6508, T replaced by C.
Protein change: p.Ser2170Pro; replaces serine 2170 with proline.
Molecular consequence: missense variant.
Genome position (GRCh38, 1-based): chr10:71,793,436, T>C. VCF-style: chr10-71793436-T-C. GRCh37 (hg19) VCF-style: chr10-73553193-T-C.
Other names: short protein forms S2170P.
Identifiers: ClinVar variation 1501974 (VCV001501974.6), dbSNP rs2132954039, ClinGen allele CA377155216.
Genomic context (GRCh38, chr10:71,793,436, plus strand): 5'-GGCACCGTTCCTCTCTCGGGCACAGCCATTGTCACCATTCTGATCGATGACATCAATGAC[T>C]CCCGCCCCGAGTTCCTCAACCCCATCCAGACAGTGAGCGTGCTGGAGTCGGCTGAGCCAG-3'
Protein context (NP_071407.4, residues 2160-2180): VTILIDDIND[Ser2170Pro]RPEFLNPIQT